The following is an entry in ClinVar:

NM_015443.4(KANSL1):c.1653-247T>C

Gene: KANSL1 (KAT8 regulatory NSL complex subunit 1). Cytogenetic location: 17q21.31.
Variant type: single nucleotide variant.
Coding change: c.1653-247T>C on transcript NM_015443.4 (MANE Select); 247 bases into the intron before coding-DNA position 1653, T replaced by C.
Molecular consequence: intron variant.
Genome position (GRCh38, 1-based): chr17:46,066,979, A>G on the plus strand (T>C on the coding strand, the complement: KANSL1 is on the minus strand). VCF-style: chr17-46066979-A-G. GRCh37 (hg19) VCF-style: chr17-44144345-A-G.
Other names: c.1653-247T>C (NM_001193465.2, NM_001379198.1, NM_001193466.2).
Identifiers: ClinVar variation 670425 (VCV000670425.1), dbSNP rs17575822, ClinGen allele CA14475471.

ClinVar aggregate classification (germline): Benign (1 of 4 stars; one submission).

Allele frequency attached by ClinVar (database versions not stated): 1000 Genomes Project 30x 0.08542; 1000 Genomes Project 0.08626; gnomAD 0.14181 and 0.14469; TOPMed 0.14811.
gnomAD v4.1: 21,801 of 152,270 alleles (14%); highest among the groups gnomAD compares: Non-Finnish European, 22%; 2,131 homozygotes.

Submission:

GeneDx
Classification: Benign. Last evaluated: 2018-06-14. Review status: criteria provided, single submitter. Criteria: GeneDx Variant Classification (06012015). Collection method: clinical testing. Allele origin: germline. Affected: yes.
Comment: This variant is considered likely benign or benign based on one or more of the following criteria: it is a conservative change, it occurs at a poorly conserved position in the protein, it is predicted to be benign by multiple in silico algorithms, and/or has population frequency not consistent with disease.